The following is an entry in ClinVar:

ClinVar aggregate classification (germline): Likely benign (1 of 4 stars; one submission).

Submission:

CeGaT Center for Human Genetics Tuebingen
Classification: Likely benign. Last evaluated: 2025-04-01. Review status: criteria provided, single submitter. Criteria: CeGaT Center For Human Genetics Tuebingen Variant Classification Criteria Version 2. Collection method: clinical testing. Allele origin: germline. Affected: yes. Observed: 1 variant allele.
Comment: TET3: BP4, BP7

NM_001287491.2(TET3):c.1767C>T (p.Pro589=)

Gene: TET3 (tet methylcytosine dioxygenase 3; plus strand). Cytogenetic location: 2p13.1.
Variant type: single nucleotide variant.
Coding change: c.1767C>T on transcript NM_001287491.2 (MANE Select); coding-DNA position 1767, C replaced by T.
Protein change: p.Pro589=; no amino-acid change (proline 589 retained).
Molecular consequence: synonymous variant.
Genome position (GRCh38, 1-based): chr2:74,047,684, C>T. VCF-style: chr2-74047684-C-T. GRCh37 (hg19) VCF-style: chr2-74274811-C-T.
Other names: c.1488C>T, p.Pro496= (NM_001366022.1).
Identifiers: ClinVar variation 3898295 (VCV003898295.7).